The following is an entry in ClinVar:

ClinVar aggregate classification (germline): Uncertain significance (1 of 4 stars; one submission).

Conditions:
MYCN-related disorder. Also called: MYCN-related condition.

Submission:

PreventionGenetics, part of Exact Sciences
Classification: Uncertain significance for MYCN-related condition. Last evaluated: 2026-07-23. Review status: criteria provided, single submitter. Criteria: ACMG Guidelines, 2015. Collection method: clinical testing. Allele origin: germline.
Comment: The MYCN c.1066C>G variant is predicted to result in the amino acid substitution p.Pro356Ala. To our knowledge, this variant has not been reported in the literature or in a large population database (gnomAD), indicating this variant is rare. At this time, the clinical significance of this variant is uncertain due to the absence of conclusive functional and genetic evidence.

NM_005378.6(MYCN):c.1066C>G (p.Pro356Ala)

Gene: MYCN (MYCN proto-oncogene, bHLH transcription factor; plus strand). Cytogenetic location: 2p24.3.
Variant type: single nucleotide variant.
Coding change: c.1066C>G on transcript NM_005378.6 (MANE Select); coding-DNA position 1066, C replaced by G.
Protein change: p.Pro356Ala; replaces proline 356 with alanine.
Molecular consequence: missense variant. On other transcripts: 3 prime UTR variant (1).
Genome position (GRCh38, 1-based): chr2:15,945,768, C>G. VCF-style: chr2-15945768-C-G. GRCh37 (hg19) VCF-style: chr2-16085890-C-G.
Other names: c.1066C>G, p.Pro356Ala (NM_001293228.2); c.433C>G, p.Pro145Ala (NM_001293231.2); c.*1001C>G (NM_001293233.2); short protein forms P145A, P356A.
Identifiers: ClinVar variation 4993598 (VCV004993598.1).